The following is an entry in ClinVar:

NM_014874.4(MFN2):c.122G>A (p.Gly41Asp)

Gene: MFN2 (mitofusin 2; plus strand). Cytogenetic location: 1p36.22.
Variant type: single nucleotide variant.
Coding change: c.122G>A on transcript NM_014874.4 (MANE Select); coding-DNA position 122, G replaced by A.
Protein change: p.Gly41Asp; replaces glycine 41 with aspartic acid.
Molecular consequence: missense variant.
Genome position (GRCh38, 1-based): chr1:11,989,290, G>A. VCF-style: chr1-11989290-G-A. GRCh37 (hg19) VCF-style: chr1-12049347-G-A.
Other names: c.122G>A, p.Gly41Asp (NM_001127660.2); short protein forms G41D.
Identifiers: ClinVar variation 1393294 (VCV001393294.6), dbSNP rs2100802868, ClinGen allele CA338459742.

ClinVar aggregate classification (germline): Uncertain significance (1 of 4 stars; one submission).

Conditions:
Charcot-Marie-Tooth disease type 2. Also called: Charcot-Marie-Tooth type 2. Identifiers: Orphanet 64746, MedGen C0270914, MONDO:0018993.

Submission:

Labcorp Genetics (formerly Invitae), Labcorp
Classification: Uncertain significance for Charcot-Marie-Tooth disease type 2. Last evaluated: 2024-08-28. Review status: criteria provided, single submitter. Criteria: Invitae Variant Classification Sherloc (09022015). Collection method: clinical testing. Allele origin: germline.
Comment: This sequence change replaces glycine, which is neutral and non-polar, with aspartic acid, which is acidic and polar, at codon 41 of the MFN2 protein (p.Gly41Asp). This variant is not present in population databases (gnomAD no frequency). This variant has not been reported in the literature in individuals affected with MFN2-related conditions. ClinVar contains an entry for this variant (Variation ID: 1393294). Invitae Evidence Modeling of protein sequence and biophysical properties (such as structural, functional, and spatial information, amino acid conservation, physicochemical variation, residue mobility, and thermodynamic stability) indicates that this missense variant is not expected to disrupt MFN2 protein function with a negative predictive value of 95%. In summary, the available evidence is currently insufficient to determine the role of this variant in disease. Therefore, it has been classified as a Variant of Uncertain Significance.